The following is an entry in ClinVar:

NM_000548.5(TSC2):c.138+16G>A

Gene: TSC2 (TSC complex subunit 2; plus strand). Cytogenetic location: 16p13.3.
Variant type: single nucleotide variant.
Coding change: c.138+16G>A on transcript NM_000548.5 (MANE Select); 16 bases into the intron after coding-DNA position 138, G replaced by A.
Molecular consequence: intron variant.
Genome position (GRCh38, 1-based): chr16:2,048,769, G>A. VCF-style: chr16-2048769-G-A. GRCh37 (hg19) VCF-style: chr16-2098770-G-A.
Other names: c.138+16G>A (NM_001114382.3, NM_021055.3, NM_001370405.1 and 4 more transcripts); c.-89+16G>A (NM_001318831.2); c.-10+704G>A (NM_001318829.2); c.171+16G>A (NM_001318832.2).
Identifiers: ClinVar variation 514347 (VCV000514347.9), dbSNP rs1555494744, ClinGen allele CA658798464.

ClinVar aggregate classification (germline): Likely benign. Review status: criteria provided, multiple submitters, no conflicts (2 of 4 stars). 3 submissions from 3 submitters: Likely benign (3). Last evaluated 2025-10-01.

Conditions:
Tuberous sclerosis 2 (TSC2). Identifiers: Orphanet 805, MedGen C1860707, MONDO:0013199, OMIM 613254.

Allele frequency attached by ClinVar (database versions not stated): TOPMed 0.00001.
gnomAD v4.1: 4 of 1,614,002 alleles (0.00025%); highest among the groups gnomAD compares: Non-Finnish European, 0.00034%; no homozygotes.

Submissions (3):

Labcorp Genetics (formerly Invitae), Labcorp
Classification: Likely benign for Tuberous sclerosis 2. Last evaluated: 2025-10-01. Review status: criteria provided, single submitter. Criteria: Invitae Variant Classification Sherloc (09022015). Collection method: clinical testing. Allele origin: germline.

Blueprint Genetics
Classification: Likely benign. Last evaluated: 2024-09-06. Review status: criteria provided, single submitter. Criteria: ACMG Guidelines, 2015. Collection method: clinical testing. Allele origin: germline.

GeneDx
Classification: Likely benign. Last evaluated: 2018-01-09. Review status: criteria provided, single submitter. Criteria: GeneDx Variant Classification (06012015). Collection method: clinical testing. Allele origin: germline. Affected: yes.
Comment: This variant is considered likely benign or benign based on one or more of the following criteria: it is a conservative change, it occurs at a poorly conserved position in the protein, it is predicted to be benign by multiple in silico algorithms, and/or has population frequency not consistent with disease.